The following is an entry in ClinVar:

ClinVar aggregate classification (germline): Uncertain significance (1 of 4 stars; one submission).

Submission:

Ambry Genetics
Classification: Uncertain significance. Last evaluated: 2025-04-10. Review status: criteria provided, single submitter. Criteria: Ambry Variant Classification Scheme 2023. Collection method: clinical testing. Allele origin: germline.
Comment: The p.A620V variant (also known as c.1859C>T), located in coding exon 13 of the GEN1 gene, results from a C to T substitution at nucleotide position 1859. The alanine at codon 620 is replaced by valine, an amino acid with similar properties. This amino acid position is conserved. In addition, this alteration is predicted to be tolerated by in silico analysis. Based on the available evidence, the clinical significance of this variant remains unclear.

NM_001130009.3(GEN1):c.1859C>T (p.Ala620Val)

Gene: GEN1 (GEN1 Holliday junction 5' flap endonuclease; plus strand). Cytogenetic location: 2p24.2.
Variant type: single nucleotide variant.
Coding change: c.1859C>T on transcript NM_001130009.3 (MANE Select); coding-DNA position 1859, C replaced by T.
Protein change: p.Ala620Val; replaces alanine 620 with valine.
Molecular consequence: missense variant.
Genome position (GRCh38, 1-based): chr2:17,781,071, C>T. VCF-style: chr2-17781071-C-T. GRCh37 (hg19) VCF-style: chr2-17962338-C-T.
Other names: c.1859C>T, p.Ala620Val (NM_182625.5); short protein forms A620V.
Identifiers: ClinVar variation 4029214 (VCV004029214.1).